The following is an entry in ClinVar:

ClinVar aggregate classification (germline): Benign/Likely benign. Review status: criteria provided, multiple submitters, no conflicts (2 of 4 stars). 3 submissions from 3 submitters: Benign (2); Likely benign (1). Last evaluated 2023-05-01.

Allele frequency attached by ClinVar (database versions not stated): 1000 Genomes Project 0.00120; gnomAD 0.00233; ExAC 0.00237; gnomAD exomes 0.00248 and 0.00521; TOPMed 0.00318; ESP Exome Variant Server 0.00377; 1000 Genomes Project 30x 0.00094.
gnomAD v4.1: 8,015 of 1,614,102 alleles (0.5%); highest among the groups gnomAD compares: Non-Finnish European, 0.63%; 24 homozygotes.

Submissions (3):

CeGaT Center for Human Genetics Tuebingen
Classification: Likely benign. Last evaluated: 2023-05-01. Review status: criteria provided, single submitter. Criteria: CeGaT Center For Human Genetics Tuebingen Variant Classification Criteria Version 2. Collection method: clinical testing. Allele origin: germline. Affected: yes. Observed: 2 variant alleles.
Comment: DOP1B: BP4, BP7

Labcorp Genetics (formerly Invitae), Labcorp
Classification: Benign. Last evaluated: 2018-04-04. Review status: criteria provided, single submitter. Criteria: Invitae Variant Classification Sherloc (09022015). Collection method: clinical testing. Allele origin: germline.

Breakthrough Genomics
Classification: Benign. Review status: criteria provided, single submitter. Criteria: ACMG Guidelines, 2015. Collection method: not provided. Allele origin: germline. Inheritance: Unknown mechanism. Affected: yes.

NM_001320714.2(DOP1B):c.2178C>T (p.Asn726=)

Gene: DOP1B (DOP1 leucine zipper like protein B; plus strand). Cytogenetic location: 21q22.12.
Variant type: single nucleotide variant.
Coding change: c.2178C>T on transcript NM_001320714.2 (MANE Select); coding-DNA position 2178, C replaced by T.
Protein change: p.Asn726=; no amino-acid change (asparagine 726 retained).
Molecular consequence: synonymous variant.
Genome position (GRCh38, 1-based): chr21:36,230,962, C>T. VCF-style: chr21-36230962-C-T. GRCh37 (hg19) VCF-style: chr21-37603260-C-T.
Other names: c.2178C>T, p.Asn726= (NM_005128.4).
Identifiers: ClinVar variation 719549 (VCV000719549.28), dbSNP rs61750836, ClinGen allele CA10016504.